The following is an entry in ClinVar:

ClinVar aggregate classification (germline): Uncertain significance. Review status: criteria provided, multiple submitters, no conflicts (2 of 4 stars). 2 submissions from 2 submitters: Uncertain significance (2). Last evaluated 2026-06-04.

Conditions:
CEP290-related disorder. Also called: CEP290-related condition; CEP290-related disorders. Identifiers: MedGen CN239314.

Allele frequency attached by ClinVar (database versions not stated): gnomAD 0.00001; TOPMed 0.00003.
gnomAD v4.1: 6 of 1,534,936 alleles (0.00039%); highest among the groups gnomAD compares: Non-Finnish European, 0.00053%; no homozygotes.

Submissions (2):

PreventionGenetics, part of Exact Sciences
Classification: Uncertain significance for CEP290-related condition. Last evaluated: 2026-06-04. Review status: criteria provided, single submitter. Criteria: ACMG Guidelines, 2015. Collection method: clinical testing. Allele origin: germline.
Comment: The CEP290 c.1465C>A variant is predicted to result in the amino acid substitution p.Leu489Ile. To our knowledge, this variant has not been reported in the literature or in a large population database, indicating this variant is rare. At this time, the clinical significance of this variant is uncertain due to the absence of conclusive functional and genetic evidence.

Women's Health and Genetics/Laboratory Corporation of America, LabCorp
Classification: Uncertain significance. Last evaluated: 2022-05-02. Review status: criteria provided, single submitter. Criteria: LabCorp Variant Classification Summary - May 2015. Collection method: clinical testing. Allele origin: germline.

NM_025114.4(CEP290):c.1465C>A (p.Leu489Ile)

Gene: CEP290 (centrosomal protein 290; minus strand). Cytogenetic location: 12q21.32.
Variant type: single nucleotide variant.
Coding change: c.1465C>A on transcript NM_025114.4 (MANE Select); coding-DNA position 1465, C replaced by A.
Protein change: p.Leu489Ile; replaces leucine 489 with isoleucine.
Molecular consequence: missense variant.
Genome position (GRCh38, 1-based): chr12:88,120,171, G>T on the plus strand (C>A on the coding strand, the complement: CEP290 is on the minus strand). VCF-style: chr12-88120171-G-T. GRCh37 (hg19) VCF-style: chr12-88513948-G-T.
Other names: short protein forms L489I.
Identifiers: ClinVar variation 1696397 (VCV001696397.3), dbSNP rs1231028240, ClinGen allele CA385979895.